The following is an entry in ClinVar:

ClinVar aggregate classification (germline): Uncertain significance (1 of 4 stars; one submission).

Conditions:
Ataxia-telangiectasia syndrome (AT). Also called: ATAXIA-TELANGIECTASIA, COMPLEMENTATION GROUP A; ATAXIA-TELANGIECTASIA, FRESNO VARIANT; Ataxia-telangiectasia; Ataxia-telangiectasia, complementation group E; LOUIS-BAR SYNDROME; Cerebello-oculocutaneous telangiectasia. Identifiers: Orphanet 100, MedGen C0004135, MONDO:0008840, OMIM 208900.

Submission:

Labcorp Genetics (formerly Invitae), Labcorp
Classification: Uncertain significance for Ataxia-telangiectasia syndrome. Last evaluated: 2023-07-12. Review status: criteria provided, single submitter. Criteria: Invitae Variant Classification Sherloc (09022015). Collection method: clinical testing. Allele origin: germline.
Comment: In summary, the available evidence is currently insufficient to determine the role of this variant in disease. Therefore, it has been classified as a Variant of Uncertain Significance. Variants that disrupt the consensus splice site are a relatively common cause of aberrant splicing (PMID: 17576681, 9536098). Algorithms developed to predict the effect of sequence changes on RNA splicing suggest that this variant may disrupt the consensus splice site. This variant has not been reported in the literature in individuals affected with ATM-related conditions. This variant is not present in population databases (gnomAD no frequency). This sequence change falls in intron 46 of the ATM gene. It does not directly change the encoded amino acid sequence of the ATM protein. It affects a nucleotide within the consensus splice site.

Literature cited by the submitters: PubMed 17576681; PubMed 9536098.

NM_000051.4(ATM):c.6807+2_6807+3insTCTTG

Genes: ATM (ATM serine/threonine kinase; plus strand), C11orf65 (chromosome 11 open reading frame 65; minus strand). Cytogenetic location: 11q22.3.
Variant type: Insertion.
Coding change: c.6807+2_6807+3insTCTTG on transcript NM_000051.4 (MANE Select); the canonical splice donor site of the intron after coding-DNA position 6807 through 3 bases into the intron after coding-DNA position 6807, TCTTG inserted.
Molecular consequence: intron variant.
Genome position: GRCh38 VCF-style: chr11-108325546-T-TTCTTG. GRCh37 (hg19) VCF-style: chr11-108196273-T-TTCTTG.
Other names: c.6807+2_6807+3insTCTTG (NM_001351834.2); c.641-16476_641-16475insCAAGA (NM_001330368.2); c.*38+9673_*38+9674insCAAGA (NM_001351110.2).
Identifiers: ClinVar variation 2860575 (VCV002860575.3), dbSNP rs2547207688, ClinGen allele CA2739266004.